The following is an entry in ClinVar:

NM_030962.4(SBF2):c.350C>G (p.Ala117Gly)

Gene: SBF2 (SET binding factor 2; minus strand). Cytogenetic location: 11p15.4.
Variant type: single nucleotide variant.
Coding change: c.350C>G on transcript NM_030962.4 (MANE Select); coding-DNA position 350, C replaced by G.
Protein change: p.Ala117Gly; replaces alanine 117 with glycine.
Molecular consequence: missense variant.
Genome position (GRCh38, 1-based): chr11:10,031,100, G>C on the plus strand (C>G on the coding strand, the complement: SBF2 is on the minus strand). VCF-style: chr11-10031100-G-C. GRCh37 (hg19) VCF-style: chr11-10052647-G-C.
Other names: c.350C>G (NM_030962.3); c.350C>G, p.Ala117Gly (NM_001386339.1, NM_001386342.1); short protein forms A117G.
Identifiers: ClinVar variation 1025495 (VCV001025495.8), dbSNP rs767514383, ClinGen allele CA5882145.

ClinVar aggregate classification (germline): Uncertain significance. Review status: criteria provided, multiple submitters, no conflicts (2 of 4 stars). 2 submissions from 2 submitters: Uncertain significance (2). Last evaluated 2025-10-18.

Conditions:
Inborn genetic diseases. Identifiers: MedGen C0950123, MeSH D030342.
Charcot-Marie-Tooth disease type 4. Also called: Charcot-Marie-Tooth disease, type IV; Charcot-Marie-Tooth, Type 4. Identifiers: Orphanet 64749, MedGen C4082197, MONDO:0018995.

Allele frequency attached by ClinVar (database versions not stated): gnomAD exomes 0.00001; TOPMed below 0.00001; ExAC 0.00001.
gnomAD v4.1: 3 of 1,613,384 alleles (0.00019%); highest among the groups gnomAD compares: Admixed American, 0.005%; no homozygotes.

Submissions (2):

Ambry Genetics
Classification: Uncertain significance for Inborn genetic diseases. Last evaluated: 2025-10-18. Review status: criteria provided, single submitter. Criteria: Ambry Variant Classification Scheme 2023. Collection method: clinical testing. Allele origin: germline.

Labcorp Genetics (formerly Invitae), Labcorp
Classification: Uncertain significance for Charcot-Marie-Tooth disease type 4. Last evaluated: 2022-03-09. Review status: criteria provided, single submitter. Criteria: Invitae Variant Classification Sherloc (09022015). Collection method: clinical testing. Allele origin: germline.
Comment: This variant is present in population databases (rs767514383, gnomAD 0.009%). This sequence change replaces alanine, which is neutral and non-polar, with glycine, which is neutral and non-polar, at codon 117 of the SBF2 protein (p.Ala117Gly). In summary, the available evidence is currently insufficient to determine the role of this variant in disease. Therefore, it has been classified as a Variant of Uncertain Significance. Algorithms developed to predict the effect of missense changes on protein structure and function are either unavailable or do not agree on the potential impact of this missense change (SIFT: "Tolerated"; PolyPhen-2: "Probably Damaging"; Align-GVGD: "Class C0"). ClinVar contains an entry for this variant (Variation ID: 1025495). This variant has not been reported in the literature in individuals affected with SBF2-related conditions.